The following is an entry in ClinVar:

ClinVar aggregate classification (germline): Uncertain significance. Review status: criteria provided, multiple submitters, no conflicts (2 of 4 stars). 3 submissions from 3 submitters: Uncertain significance (3). Last evaluated 2024-09-23.

gnomAD v4.1: 147 of 1,613,726 alleles (0.0091%); highest among the groups gnomAD compares: African/African-American, 0.012%; no homozygotes.

Submissions (3):

Labcorp Genetics (formerly Invitae), Labcorp
Classification: Uncertain significance. Last evaluated: 2024-09-23. Review status: criteria provided, single submitter. Criteria: Invitae Variant Classification Sherloc (09022015). Collection method: clinical testing. Allele origin: germline.
Comment: This sequence change replaces valine, which is neutral and non-polar, with methionine, which is neutral and non-polar, at codon 2849 of the HSPG2 protein (p.Val2849Met). This variant is present in population databases (rs147114700, gnomAD 0.02%). This variant has not been reported in the literature in individuals affected with HSPG2-related conditions. ClinVar contains an entry for this variant (Variation ID: 1374942). An algorithm developed to predict the effect of missense changes on protein structure and function outputs the following: PolyPhen-2: "Possibly Damaging". The methionine amino acid residue is found in multiple mammalian species, which suggests that this missense change does not adversely affect protein function. In summary, the available evidence is currently insufficient to determine the role of this variant in disease. Therefore, it has been classified as a Variant of Uncertain Significance.

Athena Diagnostics
Classification: Uncertain significance. Last evaluated: 2022-04-13. Review status: criteria provided, single submitter. Criteria: Athena Diagnostics Criteria. Collection method: clinical testing. Allele origin: unknown.

Revvity Omics, Revvity
Classification: Uncertain significance. Last evaluated: 2019-10-07. Review status: criteria provided, single submitter. Criteria: ACMG Guidelines, 2015. Collection method: clinical testing. Allele origin: germline.

NM_005529.7(HSPG2):c.8545G>A (p.Val2849Met)

Gene: HSPG2 (heparan sulfate proteoglycan 2; minus strand). Cytogenetic location: 1p36.12.
Variant type: single nucleotide variant.
Coding change: c.8545G>A on transcript NM_005529.7 (MANE Select); coding-DNA position 8545, G replaced by A.
Protein change: p.Val2849Met; replaces valine 2849 with methionine.
Molecular consequence: missense variant.
Genome position (GRCh38, 1-based): chr1:21,844,219, C>T on the plus strand (G>A on the coding strand, the complement: HSPG2 is on the minus strand). VCF-style: chr1-21844219-C-T. GRCh37 (hg19) VCF-style: chr1-22170712-C-T.
Other names: c.8548G>A, p.Val2850Met (NM_001291860.2); short protein forms V2849M, V2850M.
Identifiers: ClinVar variation 1374942 (VCV001374942.10), dbSNP rs147114700, ClinGen allele CA670746.